The following is an entry in ClinVar:

NM_030662.4(MAP2K2):c.581-11G>A

Gene: MAP2K2 (mitogen-activated protein kinase kinase 2; minus strand). Cytogenetic location: 19p13.3.
Variant type: single nucleotide variant.
Coding change: c.581-11G>A on transcript NM_030662.4 (MANE Select); 11 bases into the intron before coding-DNA position 581, G replaced by A.
Molecular consequence: intron variant.
Genome position (GRCh38, 1-based): chr19:4,101,154, C>T on the plus strand (G>A on the coding strand, the complement: MAP2K2 is on the minus strand). VCF-style: chr19-4101154-C-T. GRCh37 (hg19) VCF-style: chr19-4101152-C-T.
Identifiers: ClinVar variation 516568 (VCV000516568.2), dbSNP rs758442973, ClinGen allele CA9090878.

ClinVar aggregate classification (germline): Likely benign. Review status: criteria provided, multiple submitters, no conflicts (2 of 4 stars). 2 submissions from 2 submitters: Likely benign (2). Last evaluated 2025-06-01.

Conditions:
RASopathy. Also called: rasopathies; Noonan spectrum disorder. Identifiers: Orphanet 536391, MedGen C5555857, MONDO:0021060.

Allele frequency attached by ClinVar (database versions not stated): gnomAD 0.00001; ExAC 0.00004.
gnomAD v4.1: 10 of 1,606,310 alleles (0.00062%); highest among the groups gnomAD compares: Non-Finnish European, 0.00059%; no homozygotes.

Submissions (2):

Labcorp Genetics (formerly Invitae), Labcorp
Classification: Likely benign for RASopathy. Last evaluated: 2025-06-01. Review status: criteria provided, single submitter. Criteria: Invitae Variant Classification Sherloc (09022015). Collection method: clinical testing. Allele origin: germline.

GeneDx
Classification: Likely benign. Last evaluated: 2017-06-27. Review status: criteria provided, single submitter. Criteria: GeneDx Variant Classification (06012015). Collection method: clinical testing. Allele origin: germline. Affected: yes.
Comment: This variant is considered likely benign or benign based on one or more of the following criteria: it is a conservative change, it occurs at a poorly conserved position in the protein, it is predicted to be benign by multiple in silico algorithms, and/or has population frequency not consistent with disease.